The following is an entry in ClinVar:

ClinVar aggregate classification (germline): Conflicting classifications of pathogenicity. Review status: criteria provided, conflicting classifications (1 of 4 stars). 9 submissions from 9 submitters: Uncertain significance (3); Likely benign (3). 3 of the submissions do not count toward it. Last evaluated 2026-02-02.

Conditions:
COL18A1-related disorder. Also called: COL18A1-related disorders; COL18A1-related condition.

Allele frequency attached by ClinVar (database versions not stated): 1000 Genomes Project 30x 0.00016; 1000 Genomes Project 0.00020; TOPMed 0.00075; gnomAD exomes 0.00095; gnomAD 0.00140; ExAC 0.00178.
gnomAD v4.1: 1,845 of 1,570,908 alleles (0.12%); highest among the groups gnomAD compares: Non-Finnish European, 0.14%; 3 homozygotes.

Submissions (9):

Labcorp Genetics (formerly Invitae), Labcorp
Classification: Likely benign. Last evaluated: 2026-02-02. Review status: criteria provided, single submitter. Criteria: Invitae Variant Classification Sherloc (09022015). Collection method: clinical testing. Allele origin: germline.

CeGaT Center for Human Genetics Tuebingen
Classification: Likely benign. Last evaluated: 2025-03-01. Review status: criteria provided, single submitter. Criteria: CeGaT Center For Human Genetics Tuebingen Variant Classification Criteria Version 2. Collection method: clinical testing. Allele origin: germline. Affected: yes. Observed: 1 variant allele.
Comment: COL18A1: BS2

Blueprint Genetics
Classification: Likely benign. Last evaluated: 2024-11-27. Review status: criteria provided, single submitter. Criteria: ACMG Guidelines, 2015. Collection method: clinical testing. Allele origin: germline.

Greenwood Genetic Center Diagnostic Laboratories, Greenwood Genetic Center
Classification: Uncertain significance. Last evaluated: 2021-03-03. Review status: criteria provided, single submitter. Criteria: ACMG Guidelines, 2015. Collection method: clinical testing. Allele origin: germline. Affected: yes.
Comment: No ACMG evidence could be applied applied

Knight Diagnostic Laboratories, Oregon Health and Sciences University
Classification: Uncertain significance. Last evaluated: 2019-10-09. Review status: criteria provided, single submitter. Criteria: ACMG Guidelines, 2015. Collection method: clinical testing. Allele origin: germline. Observed: 1 variant allele.

Eurofins Ntd Llc (ga)
Classification: Uncertain significance. Last evaluated: 2015-10-01. Review status: criteria provided, single submitter. Criteria: EGL Classification Definitions 2015. Collection method: clinical testing. Allele origin: germline. Observed: 1 variant allele, 1 heterozygote.

PreventionGenetics, part of Exact Sciences
Classification: Likely benign for COL18A1-related condition. Last evaluated: 2023-01-30. Review status: no assertion criteria provided. Collection method: clinical testing. Allele origin: germline. Not counted in ClinVar's aggregate classification.
Comment: This variant is classified as likely benign based on ACMG/AMP sequence variant interpretation guidelines (Richards et al. 2015 PMID: 25741868, with internal and published modifications).

Clinical Genetics DNA and cytogenetics Diagnostics Lab, Erasmus MC, Erasmus Medical Center
Classification: Uncertain significance. Review status: no assertion criteria provided. Collection method: clinical testing. Allele origin: germline. Affected: yes. Study: VKGL Data-share Consensus. Not counted in ClinVar's aggregate classification.

Laboratory of Diagnostic Genome Analysis, Leiden University Medical Center (LUMC)
Classification: Uncertain significance. Review status: no assertion criteria provided. Collection method: clinical testing. Allele origin: germline. Affected: yes. Study: VKGL Data-share Consensus. Not counted in ClinVar's aggregate classification.

NM_001379500.1(COL18A1):c.2849G>A (p.Arg950His)

Genes: SLC19A1 (solute carrier family 19 member 1; minus strand), COL18A1 (collagen type XVIII alpha 1 chain; plus strand). Cytogenetic location: 21q22.3.
Variant type: single nucleotide variant.
Coding change: c.2849G>A on transcript NM_001379500.1 (MANE Select); coding-DNA position 2849, G replaced by A.
Protein change: p.Arg950His; replaces arginine 950 with histidine.
Molecular consequence: missense variant.
Genome position (GRCh38, 1-based): chr21:45,504,537, G>A. VCF-style: chr21-45504537-G-A. GRCh37 (hg19) VCF-style: chr21-46924451-G-A.
Other names: NM_130445.4:c.2840G>A; c.3380G>A, p.Arg1127His (NM_030582.4); c.4085G>A, p.Arg1362His (NM_130444.3); c.3380G>A (NM_030582.3); short protein forms R1127H, R1362H, R950H.
Identifiers: ClinVar variation 283501 (VCV000283501.28), dbSNP rs202106628, ClinGen allele CA10067509.